The following is an entry in ClinVar:

ClinVar aggregate classification (germline): Uncertain significance. Review status: criteria provided, multiple submitters, no conflicts (2 of 4 stars). 2 submissions from 2 submitters: Uncertain significance (2). Last evaluated 2026-02-17.

Conditions:
Hypogonadotropic hypogonadism 1 with or without anosmia (HH1). Also called: Hypogonadotropic hypogonadism 1 with or without anosmia (Kallmann syndrome 1); HYPOGONADOTROPIC HYPOGONADISM 1 WITH ANOSMIA; HYPOGONADOTROPIC HYPOGONADISM AND ANOSMIA; Kallmann syndrome, type 1, X-linked; DYSPLASIA OLFACTOGENITALIS OF DE MORSIER; KAL1-Related GnRH Deficiency (Kallmann Syndrome 1; Kallmann Syndrome, X-Linked). Identifiers: Orphanet 478, MedGen C1563719, MONDO:0010635, OMIM 308700. Disease mechanism: loss of function.
Inborn genetic diseases. Identifiers: MedGen C0950123, MeSH D030342.

Allele frequency attached by ClinVar (database versions not stated): gnomAD exomes below 0.00001; TOPMed below 0.00001.
gnomAD v4.1: 6 of 1,205,779 alleles (0.0005%); highest among the groups gnomAD compares: South Asian, 0.0018%; no homozygotes.

Submissions (2):

Ambry Genetics
Classification: Uncertain significance for Inborn genetic diseases. Last evaluated: 2026-02-17. Review status: criteria provided, single submitter. Criteria: Ambry Variant Classification Scheme 2023. Collection method: clinical testing. Allele origin: germline.

Labcorp Genetics (formerly Invitae), Labcorp
Classification: Uncertain significance for Hypogonadotropic hypogonadism 1 with or without anosmia. Last evaluated: 2024-02-24. Review status: criteria provided, single submitter. Criteria: Invitae Variant Classification Sherloc (09022015). Collection method: clinical testing. Allele origin: germline.
Comment: This sequence change replaces glutamine, which is neutral and polar, with arginine, which is basic and polar, at codon 417 of the ANOS1 protein (p.Gln417Arg). This variant is present in population databases (no rsID available, gnomAD 0.001%). This variant has not been reported in the literature in individuals affected with ANOS1-related conditions. ClinVar contains an entry for this variant (Variation ID: 2158762). Advanced modeling of protein sequence and biophysical properties (such as structural, functional, and spatial information, amino acid conservation, physicochemical variation, residue mobility, and thermodynamic stability) performed at Invitae indicates that this missense variant is not expected to disrupt ANOS1 protein function with a negative predictive value of 80%. In summary, the available evidence is currently insufficient to determine the role of this variant in disease. Therefore, it has been classified as a Variant of Uncertain Significance.

NM_000216.4(ANOS1):c.1250A>G (p.Gln417Arg)

Gene: ANOS1 (anosmin 1; minus strand). Cytogenetic location: Xp22.31.
Variant type: single nucleotide variant.
Coding change: c.1250A>G on transcript NM_000216.4 (MANE Select); coding-DNA position 1250, A replaced by G.
Protein change: p.Gln417Arg; replaces glutamine 417 with arginine.
Molecular consequence: missense variant.
Genome position (GRCh38, 1-based): chrX:8,554,056, T>C on the plus strand (A>G on the coding strand, the complement: ANOS1 is on the minus strand). VCF-style: chrX-8554056-T-C. GRCh37 (hg19) VCF-style: chrX-8522097-T-C.
Other names: c.1250A>G (NM_000216.2); short protein forms Q417R.
Identifiers: ClinVar variation 2158762 (VCV002158762.6), dbSNP rs1349634113, ClinGen allele CA411992617.